The following is an entry in ClinVar:

NM_000410.4(HFE):c.842C>T (p.Thr281Met)

Gene: HFE (homeostatic iron regulator; plus strand). Cytogenetic location: 6p22.2.
Variant type: single nucleotide variant.
Coding change: c.842C>T on transcript NM_000410.4 (MANE Select); coding-DNA position 842, C replaced by T.
Protein change: p.Thr281Met; replaces threonine 281 with methionine.
Molecular consequence: missense variant. On other transcripts: intron variant (1).
Genome position (GRCh38, 1-based): chr6:26,092,910, C>T. VCF-style: chr6-26092910-C-T. GRCh37 (hg19) VCF-style: chr6-26093138-C-T.
Other names: c.842C>T, p.Thr281Met (NM_001300749.3, NM_001384164.1); c.833C>T, p.Thr278Met (NM_001406751.1); c.578C>T, p.Thr193Met (NM_001406752.1, NM_139007.3); c.524C>T, p.Thr175Met (NM_139003.3); c.566C>T, p.Thr189Met (NM_139004.3); c.800C>T, p.Thr267Met (NM_139006.3); c.536C>T, p.Thr179Met (NM_139008.3); c.773C>T, p.Thr258Met (NM_139009.3); and 2 more; short protein forms T101M, T175M, T281M, T189M, T193M, T267M, T179M, T258M.
Identifiers: ClinVar variation 933830 (VCV000933830.7), dbSNP rs915273578, ClinGen allele CA136293081.

ClinVar aggregate classification (germline): Uncertain significance (1 of 4 stars; one submission).

Conditions:
Hereditary hemochromatosis (HFE). Identifiers: MedGen C0392514, MONDO:0006507. Disease mechanism: loss of function.

Allele frequency attached by ClinVar (database versions not stated): 1000 Genomes Project 30x 0.00016; gnomAD 0.00001; TOPMed 0.00002.

Submission:

Labcorp Genetics (formerly Invitae), Labcorp
Classification: Uncertain significance for Hereditary hemochromatosis. Last evaluated: 2021-08-28. Review status: criteria provided, single submitter. Criteria: Invitae Variant Classification Sherloc (09022015). Collection method: clinical testing. Allele origin: germline.
Comment: This sequence change replaces threonine with methionine at codon 281 of the HFE protein (p.Thr281Met). The threonine residue is moderately conserved and there is a moderate physicochemical difference between threonine and methionine. This variant is not present in population databases (ExAC no frequency). This variant has not been reported in the literature in individuals affected with HFE-related conditions. Algorithms developed to predict the effect of missense changes on protein structure and function are either unavailable or do not agree on the potential impact of this missense change (SIFT: "Deleterious"; PolyPhen-2: "Probably Damaging"; Align-GVGD: "Class C0"). In summary, the available evidence is currently insufficient to determine the role of this variant in disease. Therefore, it has been classified as a Variant of Uncertain Significance.